The following is an entry in ClinVar:

ClinVar aggregate classification (germline): Pathogenic (1 of 4 stars; one submission).

Conditions:
Autosomal recessive nonsyndromic hearing loss 102. Also called: Deafness, autosomal recessive 102. Identifiers: Orphanet 90636, MedGen C3892050, MONDO:0014428, OMIM 615974.

Submission:

Institute of Rare Diseases, West China Hospital, Sichuan University
Classification: Pathogenic for Autosomal recessive nonsyndromic hearing loss 102. Last evaluated: 2025-01-09. Review status: criteria provided, single submitter. Criteria: ClinGen HL ACMG Specifications v1. Collection method: research. Allele origin: germline. Affected: yes.
Comment: PVS1;PM3_Supporting;PM2_Supporting

NM_004447.6(EPS8):c.517-1G>T

Gene: EPS8 (EGFR pathway substrate 8, signaling adaptor; minus strand). Cytogenetic location: 12p12.3.
Variant type: single nucleotide variant.
Coding change: c.517-1G>T on transcript NM_004447.6 (MANE Select); the canonical splice acceptor site of the intron before coding-DNA position 517, G replaced by T.
Molecular consequence: splice acceptor variant.
Genome position (GRCh38, 1-based): chr12:15,666,523, C>A on the plus strand (G>T on the coding strand, the complement: EPS8 is on the minus strand). VCF-style: chr12-15666523-C-A. GRCh37 (hg19) VCF-style: chr12-15819457-C-A.
Other names: c.277-1G>T (NM_001413836.1, NM_001413835.1); c.517-1G>T (NM_001413831.1, NM_001413832.1, NM_001413833.1 and 3 more transcripts); c.100-1G>T (NM_001413837.1).
Identifiers: ClinVar variation 3601074 (VCV003601074.1).